The following is an entry in ClinVar:

NM_001365276.2(TNXB):c.8716C>T (p.His2906Tyr)

Gene: TNXB (tenascin XB; minus strand). Cytogenetic location: 6p21.33.
Variant type: single nucleotide variant.
Coding change: c.8716C>T on transcript NM_001365276.2 (MANE Select); coding-DNA position 8716, C replaced by T.
Protein change: p.His2906Tyr; replaces histidine 2906 with tyrosine.
Molecular consequence: missense variant.
Genome position (GRCh38, 1-based): chr6:32,053,463, G>A on the plus strand (C>T on the coding strand, the complement: TNXB is on the minus strand). VCF-style: chr6-32053463-G-A. GRCh37 (hg19) VCF-style: chr6-32021240-G-A.
Other names: c.8710C>T, p.His2904Tyr (NM_019105.8); short protein forms H2904Y, H2906Y.
Identifiers: ClinVar variation 1764415 (VCV001764415.2), dbSNP rs1777421875, ClinGen allele CA363546398.
Genomic context (GRCh38, chr6:32,053,463, plus strand): 5'-CAGAGATGGGGCCCACGCGCTGGCCACCGTGGAAGCCGTACAGGTTCATCTTGTACTTGT[G>A]GTCTGGCTCCAGGCCTGAGATGGTGACCCCGTCCTCGTGCCCCGGCACCCGCACCACCTT-3'
Protein context (NP_001352205.1, residues 2896-2916): GVTISGLEPD[His2906Tyr]KYKMNLYGFH

ClinVar aggregate classification (germline): Uncertain significance (1 of 4 stars; one submission).

Conditions:
Cardiovascular phenotype. Identifiers: MedGen CN230736.

Allele frequency attached by ClinVar (database versions not stated): gnomAD 0.00001; TOPMed 0.00001.
gnomAD v4.1: 1 of 1,613,180 alleles (0.000062%); highest among the groups gnomAD compares: African/African-American, 0.0013%; no homozygotes.

Submission:

Ambry Genetics
Classification: Uncertain significance for Cardiovascular phenotype. Last evaluated: 2022-06-27. Review status: criteria provided, single submitter. Criteria: Ambry Variant Classification Scheme 2023. Collection method: clinical testing. Allele origin: germline.
Comment: The p.H2904Y variant (also known as c.8710C>T), located in coding exon 24 of the TNXB gene, results from a C to T substitution at nucleotide position 8710. The histidine at codon 2904 is replaced by tyrosine, an amino acid with similar properties. This amino acid position is conserved. In addition, this alteration is predicted to be tolerated by in silico analysis. Since supporting evidence is limited at this time, the clinical significance of this alteration remains unclear.